The following is an entry in ClinVar:

NM_021930.6(RINT1):c.1984T>A (p.Leu662Met)

Genes: EFCAB10 (EF-hand calcium binding domain 10; minus strand), RINT1 (RAD50 interactor 1; plus strand). Cytogenetic location: 7q22.3.
Variant type: single nucleotide variant.
Coding change: c.1984T>A on transcript NM_021930.6 (MANE Select); coding-DNA position 1984, T replaced by A.
Protein change: p.Leu662Met; replaces leucine 662 with methionine.
Molecular consequence: missense variant. On other transcripts: 3 prime UTR variant (3), non-coding transcript variant (1).
Genome position (GRCh38, 1-based): chr7:105,565,374, T>A. VCF-style: chr7-105565374-T-A. GRCh37 (hg19) VCF-style: chr7-105205821-T-A.
Other names: c.*73A>T (NM_001355526.2); c.*175A>T (NM_001355530.2); c.*28A>T (NM_001355531.2); c.1750T>A, p.Leu584Met (NM_001346599.2); c.961T>A, p.Leu321Met (NM_001346600.2, NM_001346603.2); c.1060T>A, p.Leu354Met (NM_001346601.2); short protein forms L354M, L662M, L321M, L584M.
Identifiers: ClinVar variation 1783858 (VCV001783858.3), dbSNP rs772697416, ClinGen allele CA368814828.

ClinVar aggregate classification (germline): Uncertain significance (1 of 4 stars; one submission).

Submission:

Ambry Genetics
Classification: Uncertain significance. Last evaluated: 2024-08-19. Review status: criteria provided, single submitter. Criteria: Ambry Variant Classification Scheme 2023. Collection method: clinical testing. Allele origin: germline.
Comment: The p.L662M variant (also known as c.1984T>A), located in coding exon 13 of the RINT1 gene, results from a T to A substitution at nucleotide position 1984. The leucine at codon 662 is replaced by methionine, an amino acid with highly similar properties. This amino acid position is conserved. In addition, this alteration is predicted to be tolerated by in silico analysis. Since supporting evidence is limited at this time, the clinical significance of this alteration remains unclear.